The following is an entry in ClinVar:

NM_001374353.1(GLI2):c.740G>A (p.Arg247Gln)

Gene: GLI2 (GLI family zinc finger 2; plus strand). Cytogenetic location: 2q14.2.
Variant type: single nucleotide variant.
Coding change: c.740G>A on transcript NM_001374353.1 (MANE Select); coding-DNA position 740, G replaced by A.
Protein change: p.Arg247Gln; replaces arginine 247 with glutamine.
Molecular consequence: missense variant.
Genome position (GRCh38, 1-based): chr2:120,968,810, G>A. VCF-style: chr2-120968810-G-A. GRCh37 (hg19) VCF-style: chr2-121726386-G-A.
Other names: c.740G>A, p.Arg247Gln (NM_001371271.1, NM_005270.5); c.365G>A, p.Arg122Gln (NM_001374354.1); short protein forms R122Q, R247Q.
Identifiers: ClinVar variation 4882024 (VCV004882024.2).
Genomic context (GRCh38, chr2:120,968,810, plus strand): 5'-TGAGCCGCAAGCGGGCGCTGTCCATCTCCCCACTCTCAGACGCCAGCCTGGACCTGCAGC[G>A]GATGATCCGCACCTCACCCAACTCGCTAGTGGCCTACATCAACAACTCCCGAAGCAGCTC-3'
Protein context (NP_001361282.1, residues 237-257): PLSDASLDLQ[Arg247Gln]MIRTSPNSLV

ClinVar aggregate classification (germline): Uncertain significance (1 of 4 stars; one submission).

gnomAD v4.1: 6 of 1,613,660 alleles (0.00037%); highest among the groups gnomAD compares: East Asian, 0.0045%; no homozygotes.

Submission:

Dasa
Classification: Uncertain significance. Last evaluated: 2025-02-12. Review status: criteria provided, single submitter. Criteria: DASA Assertion Criteria. Collection method: clinical testing. Allele origin: germline.
Comment: NM_001374353.1(GLI2):c.740G>A (p.Arg247Gln) is a missense variant that results in the substitution of arginine with glutamine. This variant is rare in population databases. Computational prediction algorithms are consistent with a benign effect. The currently available literature and clinical evidence are not sufficient to establish a definitive association between this variant and the reported condition. Therefore, this variant is classified as a variant of uncertain significance.